The following is an entry in ClinVar:

ClinVar aggregate classification (germline): Uncertain significance (1 of 4 stars; one submission).

Conditions:
Inborn genetic diseases. Identifiers: MedGen C0950123, MeSH D030342.

gnomAD v4.1: 10 of 1,612,366 alleles (0.00062%); highest among the groups gnomAD compares: Non-Finnish European, 0.00076%; no homozygotes.

Submission:

Ambry Genetics
Classification: Uncertain significance for Inborn genetic diseases. Last evaluated: 2025-12-15. Review status: criteria provided, single submitter. Criteria: Ambry Variant Classification Scheme 2023. Collection method: clinical testing. Allele origin: germline.
Comment: The p.Y105C variant (also known as c.314A>G), located in coding exon 4 of the RECQL4 gene, results from an A to G substitution at nucleotide position 314. The tyrosine at codon 105 is replaced by cysteine, an amino acid with highly dissimilar properties. This amino acid position is conserved. In addition, the in silico prediction for this alteration is inconclusive. Based on the available evidence, the clinical significance of this variant remains unclear.

NM_004260.4(RECQL4):c.314A>G (p.Tyr105Cys)

Gene: RECQL4 (RecQ like helicase 4; minus strand). Cytogenetic location: 8q24.3.
Variant type: single nucleotide variant.
Coding change: c.314A>G on transcript NM_004260.4 (MANE Select); coding-DNA position 314, A replaced by G.
Protein change: p.Tyr105Cys; replaces tyrosine 105 with cysteine.
Molecular consequence: missense variant. On other transcripts: 5 prime UTR variant (17), non-coding transcript variant (3).
Genome position (GRCh38, 1-based): chr8:144,517,090, T>C on the plus strand (A>G on the coding strand, the complement: RECQL4 is on the minus strand). VCF-style: chr8-144517090-T-C. GRCh37 (hg19) VCF-style: chr8-145742474-T-C.
Other names: c.314A>G, p.Tyr105Cys (NM_001413017.1, NM_001413018.1, NM_001413019.1 and 5 more transcripts); c.-407A>G (NM_001413021.1); c.-758A>G (NM_001413022.1, NM_001413023.1, NM_001413037.1 and 3 more transcripts); c.-655A>G (NM_001413024.1, NM_001413035.1); c.185A>G, p.Tyr62Cys (NM_001413025.1); c.-820A>G (NM_001413027.1, NM_001413030.1, NM_001413031.1 and 1 more transcripts); c.-483A>G (NM_001413028.1); c.-717A>G (NM_001413032.1); and 2 more; short protein forms Y62C, Y105C.
Identifiers: ClinVar variation 4841550 (VCV004841550.1).